The following is an entry in ClinVar:

NM_006922.4(SCN3A):c.4349T>A (p.Ile1450Asn)

Gene: SCN3A (sodium voltage-gated channel alpha subunit 3; minus strand). Cytogenetic location: 2q24.3.
Variant type: single nucleotide variant.
Coding change: c.4349T>A on transcript NM_006922.4 (MANE Select); coding-DNA position 4349, T replaced by A.
Protein change: p.Ile1450Asn; replaces isoleucine 1450 with asparagine.
Molecular consequence: missense variant.
Genome position (GRCh38, 1-based): chr2:165,095,593, A>T on the plus strand (T>A on the coding strand, the complement: SCN3A is on the minus strand). VCF-style: chr2-165095593-A-T. GRCh37 (hg19) VCF-style: chr2-165952103-A-T.
Other names: c.4202T>A, p.Ile1401Asn (NM_001081676.2, NM_001081677.2); short protein forms I1401N, I1450N.
Identifiers: ClinVar variation 4756075 (VCV004756075.1).

ClinVar aggregate classification (germline): Uncertain significance (1 of 4 stars; one submission).

gnomAD v4.1: 1 of 1,564,630 alleles (0.000064%); highest among the groups gnomAD compares: Non-Finnish European, 0.000088%; no homozygotes.

Submission:

GeneDx
Classification: Uncertain significance. Last evaluated: 2025-08-09. Review status: criteria provided, single submitter. Criteria: GeneDx Variant Classification Process June 2021. Collection method: clinical testing. Allele origin: germline. Affected: yes.
Comment: Not observed at significant frequency in large population cohorts (gnomAD); In silico analysis supports that this missense variant has a deleterious effect on protein structure/function; Has not been previously published as pathogenic or benign to our knowledge